The following is an entry in ClinVar:

NM_152564.5(VPS13B):c.1229G>A (p.Ser410Asn)

Gene: VPS13B (vacuolar protein sorting 13 homolog B; plus strand). Cytogenetic location: 8q22.2.
Variant type: single nucleotide variant.
Coding change: c.1229G>A on transcript NM_152564.5 (MANE Select); coding-DNA position 1229, G replaced by A.
Protein change: p.Ser410Asn; replaces serine 410 with asparagine.
Molecular consequence: missense variant.
Genome position (GRCh38, 1-based): chr8:99,134,654, G>A. VCF-style: chr8-99134654-G-A. GRCh37 (hg19) VCF-style: chr8-100146882-G-A.
Other names: c.1229G>A, p.Ser410Asn (NM_015243.3, NM_017890.5); c.1229G>A (NM_017890.3, NM_152564.4); short protein forms S410N.
Identifiers: ClinVar variation 437254 (VCV000437254.9), dbSNP rs1465978289, ClinGen allele CA371861910.

ClinVar aggregate classification (germline): Uncertain significance. Review status: criteria provided, multiple submitters, no conflicts (2 of 4 stars). 3 submissions from 3 submitters: Uncertain significance (2). 1 of the submissions does not count toward it. Last evaluated 2021-05-25.

Conditions:
Inborn genetic diseases. Identifiers: MedGen C0950123, MeSH D030342.
VPS13B-related disorder. Also called: VPS13B-related condition.

Allele frequency attached by ClinVar (database versions not stated): gnomAD exomes below 0.00001; TOPMed below 0.00001; gnomAD 0.00001.
gnomAD v4.1: 2 of 1,608,000 alleles (0.00012%); highest among the groups gnomAD compares: Admixed American, 0.0033%; no homozygotes.

Submissions (3):

Ambry Genetics
Classification: Uncertain significance for Inborn genetic diseases. Last evaluated: 2021-05-25. Review status: criteria provided, single submitter. Criteria: Ambry Variant Classification Scheme 2023. Collection method: clinical testing. Allele origin: germline.

Genetic Services Laboratory, University of Chicago
Classification: Uncertain significance. Last evaluated: 2015-10-14. Review status: criteria provided, single submitter. Criteria: ACMG Guidelines, 2015. Collection method: clinical testing. Allele origin: germline. Affected: no.

PreventionGenetics, part of Exact Sciences
Classification: Uncertain significance for VPS13B-related condition. Last evaluated: 2024-04-30. Review status: no assertion criteria provided. Collection method: clinical testing. Allele origin: germline. Not counted in ClinVar's aggregate classification.
Comment: The VPS13B c.1229G>A variant is predicted to result in the amino acid substitution p.Ser410Asn. To our knowledge, this variant has not been reported in the literature. This variant is reported in 0.0029% of alleles in individuals of Latino descent in gnomAD. At this time, the clinical significance of this variant is uncertain due to the absence of conclusive functional and genetic evidence.